The following is an entry in ClinVar:

NM_001256857.1(USP17L17):c.90T>A (p.Ala30=)

Gene: USP17L17 (ubiquitin specific peptidase 17 like family member 17; plus strand). Cytogenetic location: 4p16.1.
Variant type: single nucleotide variant.
Coding change: c.90T>A on transcript NM_001256857.1 (MANE Select); coding-DNA position 90, T replaced by A.
Protein change: p.Ala30=; no amino-acid change (alanine 30 retained).
Molecular consequence: synonymous variant.
Genome position (GRCh38, 1-based): chr4:9,243,968, T>A. VCF-style: chr4-9243968-T-A. GRCh37 (hg19) VCF-style: chr4-9245694-T-A.
Identifiers: ClinVar variation 3770943 (VCV003770943.13).
Genomic context (GRCh38, chr4:9,243,968, plus strand): 5'-TGAGTGGCAGTTCAACCACTTTTCAAAACTCACATCTTCTCGGCCCGATGCAGCTTTTGC[T>A]GAAATCCAGCGGACTTCTCTCCCTGAGAAGTCACCACTCTCATGTGAGACCCGTGTCGAC-3'
Protein context (NP_001243786.1, residues 20-40): LTSSRPDAAF[Ala30=]EIQRTSLPEK

ClinVar aggregate classification (germline): Likely benign (1 of 4 stars; one submission).

Submission:

CeGaT Center for Human Genetics Tuebingen
Classification: Likely benign. Last evaluated: 2026-08-01. Review status: criteria provided, single submitter. Criteria: CeGaT Center For Human Genetics Tuebingen Variant Classification Criteria Version 2. Collection method: clinical testing. Allele origin: germline. Affected: yes. Observed: 3 variant alleles.
Comment: USP17L17: BP4, BP7